The following is an entry in ClinVar:

NM_001376.5(DYNC1H1):c.13203C>A (p.Thr4401=)

Gene: DYNC1H1 (dynein cytoplasmic 1 heavy chain 1; plus strand). Cytogenetic location: 14q32.31.
Variant type: single nucleotide variant.
Coding change: c.13203C>A on transcript NM_001376.5 (MANE Select); coding-DNA position 13203, C replaced by A.
Protein change: p.Thr4401=; no amino-acid change (threonine 4401 retained).
Molecular consequence: synonymous variant.
Genome position (GRCh38, 1-based): chr14:102,048,013, C>A. VCF-style: chr14-102048013-C-A. GRCh37 (hg19) VCF-style: chr14-102514350-C-A.
Identifiers: ClinVar variation 539834 (VCV000539834.26), dbSNP rs138022242, ClinGen allele CA7354167.

ClinVar aggregate classification (germline): Likely benign. Review status: criteria provided, multiple submitters, no conflicts (2 of 4 stars). 2 submissions from 2 submitters: Likely benign (2). Last evaluated 2025-11-09.

Conditions:
Charcot-Marie-Tooth disease axonal type 2O. Also called: Charcot-Marie-Tooth Neuropathy Type 2O; CHARCOT-MARIE-TOOTH NEUROPATHY, AXONAL, TYPE 2O; CHARCOT-MARIE-TOOTH DISEASE, AXONAL, AUTOSOMAL DOMINANT, TYPE 2O; Charcot-Marie-Tooth disease, axonal, type 20. Identifiers: Orphanet 284232, MedGen C3280220, MONDO:0013644, OMIM 614228.

Allele frequency attached by ClinVar (database versions not stated): TOPMed 0.00002; gnomAD 0.00006.
gnomAD v4.1: 30 of 1,611,176 alleles (0.0019%); highest among the groups gnomAD compares: Admixed American, 0.0033%; no homozygotes.

Submissions (2):

Labcorp Genetics (formerly Invitae), Labcorp
Classification: Likely benign for Charcot-Marie-Tooth disease axonal type 2O. Last evaluated: 2025-11-09. Review status: criteria provided, single submitter. Criteria: Invitae Variant Classification Sherloc (09022015). Collection method: clinical testing. Allele origin: germline.

CeGaT Center for Human Genetics Tuebingen
Classification: Likely benign. Last evaluated: 2024-09-01. Review status: criteria provided, single submitter. Criteria: CeGaT Center For Human Genetics Tuebingen Variant Classification Criteria Version 2. Collection method: clinical testing. Allele origin: germline. Affected: yes. Observed: 1 variant allele.
Comment: DYNC1H1: BP4, BP7